The following is an entry in ClinVar:

NM_000320.3(QDPR):c.328C>T (p.Gln110Ter)

Gene: QDPR (quinoid dihydropteridine reductase; minus strand). Cytogenetic location: 4p15.32.
Variant type: single nucleotide variant.
Coding change: c.328C>T on transcript NM_000320.3 (MANE Select); coding-DNA position 328, C replaced by T.
Protein change: p.Gln110Ter; replaces glutamine 110 with a stop codon.
Molecular consequence: nonsense. On other transcripts: non-coding transcript variant (1).
Genome position (GRCh38, 1-based): chr4:17,501,827, G>A on the plus strand (C>T on the coding strand, the complement: QDPR is on the minus strand). VCF-style: chr4-17501827-G-A. GRCh37 (hg19) VCF-style: chr4-17503450-G-A.
Other names: c.235C>T, p.Gln79Ter (NM_001306140.2); short protein forms Q79*, Q110*.
Identifiers: ClinVar variation 2910183 (VCV002910183.3), dbSNP rs1262627752, ClinGen allele CA356448691.

ClinVar aggregate classification (germline): Pathogenic (1 of 4 stars; one submission).

Conditions:
Dihydropteridine reductase deficiency (HPABH4C). Also called: BH4-Deficient Hyperphenylalaninemia C; HYPERPHENYLALANINEMIA, TETRAHYDROBIOPTERIN-DEFICIENT, DUE TO DHPR DEFICIENCY; QDPR DEFICIENCY; QUINOID DIHYDROPTERIDINE REDUCTASE DEFICIENCY; Phenylketonuria II; Hyperphenylalaninemia due to dihydropteridine reductase deficiency. Identifiers: Orphanet 226, Orphanet 238583, MedGen C0268465, MONDO:0009862, OMIM 261630.

Submission:

Labcorp Genetics (formerly Invitae), Labcorp
Classification: Pathogenic for Dihydropteridine reductase deficiency. Last evaluated: 2023-05-13. Review status: criteria provided, single submitter. Criteria: Invitae Variant Classification Sherloc (09022015). Collection method: clinical testing. Allele origin: germline.
Comment: This sequence change creates a premature translational stop signal (p.Gln110*) in the QDPR gene. It is expected to result in an absent or disrupted protein product. Loss-of-function variants in QDPR are known to be pathogenic (PMID: 7627180, 11153907). For these reasons, this variant has been classified as Pathogenic. This premature translational stop signal has been observed in individual(s) with hyperphenylalaninemia (PMID: 29499199). This variant is not present in population databases (gnomAD no frequency).

Literature cited by the submitters: PubMed 7627180; PubMed 11153907; PubMed 29499199.